The following is an entry in ClinVar:

NM_001377142.1(PLCB4):c.3098C>T (p.Thr1033Ile)

Gene: PLCB4 (phospholipase C beta 4; plus strand). Cytogenetic location: 20p12.2.
Variant type: single nucleotide variant.
Coding change: c.3098C>T on transcript NM_001377142.1 (MANE Select); coding-DNA position 3098, C replaced by T.
Protein change: p.Thr1033Ile; replaces threonine 1033 with isoleucine.
Molecular consequence: missense variant.
Genome position (GRCh38, 1-based): chr20:9,459,660, C>T. VCF-style: chr20-9459660-C-T. GRCh37 (hg19) VCF-style: chr20-9440307-C-T.
Other names: c.3062C>T, p.Thr1021Ile (NM_000933.4, NM_001377134.2, NM_001377135.1 and 2 more transcripts); c.3098C>T, p.Thr1033Ile (NM_001172646.2, NM_001377143.1); short protein forms T1021I, T1033I.
Identifiers: ClinVar variation 3253240 (VCV003253240.3), dbSNP rs1055435615.
Genomic context (GRCh38, chr20:9,459,660, plus strand): 5'-GATTACAATGGCACCGTCCCCTTTTTCCCAAACAGGTCAAAGAGATTGTAGCACAGCACA[C>T]AAAGGAATGGTCAGAAATGATCAATACCCACAGTGCTGAGGAGCAAGAAATCCGAGACCT-3'
Protein context (NP_001364071.1, residues 1023-1043): SKVKEIVAQH[Thr1033Ile]KEWSEMINTH

ClinVar aggregate classification (germline): Uncertain significance. Review status: criteria provided, multiple submitters, no conflicts (2 of 4 stars). 2 submissions from 2 submitters: Uncertain significance (2). Last evaluated 2025-06-09.

Allele frequency attached by ClinVar (database versions not stated): TOPMed below 0.00001.
gnomAD v4.1: 9 of 1,609,520 alleles (0.00056%); highest among the groups gnomAD compares: Non-Finnish European, 0.00077%; no homozygotes.

Submissions (2):

Labcorp Genetics (formerly Invitae), Labcorp
Classification: Uncertain significance. Last evaluated: 2025-06-09. Review status: criteria provided, single submitter. Criteria: Invitae Variant Classification Sherloc (09022015). Collection method: clinical testing. Allele origin: germline.
Comment: This sequence change replaces threonine, which is neutral and polar, with isoleucine, which is neutral and non-polar, at codon 1021 of the PLCB4 protein (p.Thr1021Ile). This variant is not present in population databases (gnomAD no frequency). This variant has not been reported in the literature in individuals affected with PLCB4-related conditions. ClinVar contains an entry for this variant (Variation ID: 3253240). Invitae Evidence Modeling of protein sequence and biophysical properties (such as structural, functional, and spatial information, amino acid conservation, physicochemical variation, residue mobility, and thermodynamic stability) indicates that this missense variant is not expected to disrupt PLCB4 protein function with a negative predictive value of 95%. In summary, the available evidence is currently insufficient to determine the role of this variant in disease. Therefore, it has been classified as a Variant of Uncertain Significance.

GeneDx
Classification: Uncertain significance. Last evaluated: 2023-08-22. Review status: criteria provided, single submitter. Criteria: GeneDx Variant Classification Process June 2021. Collection method: clinical testing. Allele origin: germline. Affected: yes.
Comment: Not observed at significant frequency in large population cohorts (gnomAD); In silico analysis supports that this missense variant has a deleterious effect on protein structure/function; Has not been previously published as pathogenic or benign to our knowledge